The following is an entry in ClinVar:

NM_001286.5(CLCN6):c.1045G>A (p.Ala349Thr)

Gene: CLCN6 (chloride voltage-gated channel 6; plus strand). Cytogenetic location: 1p36.22.
Variant type: single nucleotide variant.
Coding change: c.1045G>A on transcript NM_001286.5 (MANE Select); coding-DNA position 1045, G replaced by A.
Protein change: p.Ala349Thr; replaces alanine 349 with threonine.
Molecular consequence: missense variant. On other transcripts: non-coding transcript variant (1).
Genome position (GRCh38, 1-based): chr1:11,828,548, G>A. VCF-style: chr1-11828548-G-A. GRCh37 (hg19) VCF-style: chr1-11888605-G-A.
Other names: c.979G>A, p.Ala327Thr (NM_001256959.2); short protein forms A327T, A349T.
Identifiers: ClinVar variation 1443661 (VCV001443661.6), dbSNP rs757638536, ClinGen allele CA596320.

ClinVar aggregate classification (germline): Uncertain significance (1 of 4 stars; one submission).

Allele frequency attached by ClinVar (database versions not stated): gnomAD exomes 0.00002 and 0.00003; gnomAD 0.00003 and 0.00004; TOPMed 0.00003; ExAC 0.00005.
gnomAD v4.1: 37 of 1,614,036 alleles (0.0023%); highest among the groups gnomAD compares: Non-Finnish European, 0.003%; no homozygotes.

Submission:

Labcorp Genetics (formerly Invitae), Labcorp
Classification: Uncertain significance. Last evaluated: 2024-10-24. Review status: criteria provided, single submitter. Criteria: Invitae Variant Classification Sherloc (09022015). Collection method: clinical testing. Allele origin: germline.
Comment: This sequence change replaces alanine, which is neutral and non-polar, with threonine, which is neutral and polar, at codon 349 of the CLCN6 protein (p.Ala349Thr). This variant is present in population databases (rs757638536, gnomAD 0.004%). This variant has not been reported in the literature in individuals affected with CLCN6-related conditions. ClinVar contains an entry for this variant (Variation ID: 1443661). An algorithm developed to predict the effect of missense changes on protein structure and function (PolyPhen-2) suggests that this variant is likely to be disruptive. In summary, the available evidence is currently insufficient to determine the role of this variant in disease. Therefore, it has been classified as a Variant of Uncertain Significance.